The following is an entry in ClinVar:

NM_012448.4(STAT5B):c.1170-17CT[3]

Gene: STAT5B (signal transducer and activator of transcription 5B; minus strand). Cytogenetic location: 17q21.2.
Variant type: Microsatellite.
Coding change: c.1170-17CT[3] on transcript NM_012448.4 (MANE Select); three copies in a row of the 2-base unit CT starting at c.1170-17; the reference has four copies in a row; one copy, 2 bases deleted.
Molecular consequence: intron variant.
Genome position (GRCh38, 1-based): chr17:42,217,474-42,217,475, AG deleted on the plus strand (CT on the coding strand, the reverse complement: STAT5B is on the minus strand); deleting any 2 consecutive bases within chr17:42,217,474-42,217,482 gives the same sequence; the position shown is the placement nearest the transcript's 3' end. VCF-style (leftmost placement, unchanged base first): chr17-42217473-CAG-C. GRCh37 (hg19) VCF-style: chr17-40369491-CAG-C.
Identifiers: ClinVar variation 3627955 (VCV003627955.2).

ClinVar aggregate classification (germline): Uncertain significance (1 of 4 stars; one submission).

Conditions:
Growth hormone insensitivity with immune dysregulation 1, autosomal recessive. Also called: GROWTH HORMONE INSENSITIVITY DUE TO POSTRECEPTOR DEFECT; LARON SYNDROME DUE TO POSTRECEPTOR DEFECT; GROWTH HORMONE INSENSITIVITY SYNDROME WITH IMMUNE DYSREGULATION 1, AUTOSOMAL RECESSIVE; Laron syndrome with immunodeficiency. Identifiers: Orphanet 220465, MedGen C5435698, MONDO:0100211, OMIM 245590.

Submission:

Labcorp Genetics (formerly Invitae), Labcorp
Classification: Uncertain significance for Growth hormone insensitivity with immune dysregulation 1, autosomal recessive. Last evaluated: 2024-03-15. Review status: criteria provided, single submitter. Criteria: Invitae Variant Classification Sherloc (09022015). Collection method: clinical testing. Allele origin: germline.
Comment: This sequence change falls in intron 9 of the STAT5B gene. It does not directly change the encoded amino acid sequence of the STAT5B protein. This variant is present in population databases (rs776483617, gnomAD 0.02%). This variant has not been reported in the literature in individuals affected with STAT5B-related conditions. Algorithms developed to predict the effect of sequence changes on RNA splicing suggest that this variant may disrupt the consensus splice site. In summary, the available evidence is currently insufficient to determine the role of this variant in disease. Therefore, it has been classified as a Variant of Uncertain Significance.